The following is an entry in ClinVar:

NM_014915.3(ANKRD26):c.1211T>C (p.Met404Thr)

Gene: ANKRD26 (ankyrin repeat domain containing 26; minus strand). Cytogenetic location: 10p12.1.
Variant type: single nucleotide variant.
Coding change: c.1211T>C on transcript NM_014915.3 (MANE Select); coding-DNA position 1211, T replaced by C.
Protein change: p.Met404Thr; replaces methionine 404 with threonine.
Molecular consequence: missense variant.
Genome position (GRCh38, 1-based): chr10:27,066,545, A>G on the plus strand (T>C on the coding strand, the complement: ANKRD26 is on the minus strand). VCF-style: chr10-27066545-A-G. GRCh37 (hg19) VCF-style: chr10-27355474-A-G.
Other names: c.1211T>C, p.Met404Thr (NM_001256053.2); short protein forms M404T.
Identifiers: ClinVar variation 3872173 (VCV003872173.1).

ClinVar aggregate classification (germline): Uncertain significance (1 of 4 stars; one submission).

Conditions:
Inborn genetic diseases. Identifiers: MedGen C0950123, MeSH D030342.

gnomAD v4.1: 7 of 1,594,888 alleles (0.00044%); highest among the groups gnomAD compares: East Asian, 0.0045%; no homozygotes.

Submission:

Ambry Genetics
Classification: Uncertain significance for Inborn genetic diseases. Last evaluated: 2025-03-10. Review status: criteria provided, single submitter. Criteria: Ambry Variant Classification Scheme 2023. Collection method: clinical testing. Allele origin: germline.
Comment: The p.M404T variant (also known as c.1211T>C), located in coding exon 11 of the ANKRD26 gene, results from a T to C substitution at nucleotide position 1211. The methionine at codon 404 is replaced by threonine, an amino acid with similar properties. This amino acid position is conserved. In addition, this alteration is predicted to be tolerated by in silico analysis. Based on the available evidence, the clinical significance of this variant remains unclear.